The following is an entry in ClinVar:

ClinVar aggregate classification (germline): Conflicting classifications of pathogenicity. Review status: criteria provided, conflicting classifications (1 of 4 stars). 9 submissions from 9 submitters: Uncertain significance (2); Benign (2); Likely benign (3). 2 of the submissions do not count toward it. Last evaluated 2026-05-04.

Conditions:
COL6A3-related disorder. Also called: COL6A3-related disorders; COL6A3-related condition.
Collagen 6-related myopathy. Identifiers: MedGen CN117976, MONDO:0100225.
Bethlem myopathy 1A. Also called: Bethlem myopathy 1; MYOPATHY, BENIGN CONGENITAL, WITH CONTRACTURES; Bethlem Muscular Dystrophy. Identifiers: Orphanet 610, MedGen CN029274, MONDO:0024530, OMIM 158810.

Allele frequency attached by ClinVar (database versions not stated): ExAC 0.00077; 1000 Genomes Project 0.00080; gnomAD 0.00080 and 0.00082; gnomAD exomes 0.00085 and 0.00137; TOPMed 0.00087; ESP Exome Variant Server 0.00169.
gnomAD v4.1: 2,126 of 1,614,152 alleles (0.13%); highest among the groups gnomAD compares: Non-Finnish European, 0.16%; 4 homozygotes.

Submissions (9):

PreventionGenetics, part of Exact Sciences
Classification: Uncertain significance for COL6A3-related condition. Last evaluated: 2026-05-04. Review status: criteria provided, single submitter. Criteria: ACMG Guidelines, 2015. Collection method: clinical testing. Allele origin: germline.
Comment: The COL6A3 c.8636C>T variant is predicted to result in the amino acid substitution p.Thr2879Met. This variant has been previously reported as a variant of uncertain significance in two individuals with limb girdle muscular dystrophy type 1A (P24 and P61 in Table S7, Nallamilli et al 2018. PubMed ID: 30564623). This variant is reported in 0.13% of alleles in individuals of European (Non-Finnish) descent in gnomAD, which may be too frequent to be a primary cause of disease. Although we suspect that this variant may be benign, at this time, the clinical significance of this variant is uncertain due to the absence of conclusive functional and genetic evidence.

CeGaT Center for Human Genetics Tuebingen
Classification: Likely benign. Last evaluated: 2026-03-01. Review status: criteria provided, single submitter. Criteria: CeGaT Center For Human Genetics Tuebingen Variant Classification Criteria Version 2. Collection method: clinical testing. Allele origin: germline. Affected: yes. Observed: 4 variant alleles.
Comment: COL6A3: BS1:Supporting

Labcorp Genetics (formerly Invitae), Labcorp
Classification: Likely benign for Bethlem myopathy 1A. Last evaluated: 2026-01-26. Review status: criteria provided, single submitter. Criteria: Invitae Variant Classification Sherloc (09022015). Collection method: clinical testing. Allele origin: germline.

Mayo Clinic Laboratories, Mayo Clinic
Classification: Benign. Last evaluated: 2024-05-10. Review status: criteria provided, single submitter. Criteria: ACMG Guidelines, 2015. Collection method: clinical testing. Allele origin: germline. Observed: 2 variant alleles.
Comment: BS1, BS2

GeneDx
Classification: Likely benign. Last evaluated: 2020-11-09. Review status: criteria provided, single submitter. Criteria: GeneDx Variant Classification Process June 2021. Collection method: clinical testing. Allele origin: germline. Affected: yes.
Comment: This variant is associated with the following publications: (PMID: 30564623)

Eurofins Ntd Llc (ga)
Classification: Uncertain significance. Last evaluated: 2018-03-08. Review status: criteria provided, single submitter. Criteria: EGL ClinVar v180209 classification definitions. Collection method: clinical testing. Allele origin: germline. Observed: 13 variant alleles, 13 heterozygotes.

Illumina Laboratory Services, Illumina
Classification: Benign for Collagen VI-related myopathy. Last evaluated: 2018-01-13. Review status: criteria provided, single submitter. Criteria: ICSL Variant Classification Criteria 13 December 2019. Collection method: clinical testing. Allele origin: germline.
Comment: This variant was observed in the ICSL laboratory as part of a predisposition screen in an ostensibly healthy population. It had not been previously curated by ICSL or reported in the Human Gene Mutation Database (HGMD: prior to June 1st, 2018), and was therefore a candidate for classification through an automated scoring system. Utilizing variant allele frequency, disease prevalence and penetrance estimates, and inheritance mode, an automated score was calculated to assess if this variant is too frequent to cause the disease. Based on the score and internal cut-off values, a variant classified as benign is not then subjected to further curation. The score for this variant resulted in a classification of benign for this disease.

Clinical Genetics DNA and cytogenetics Diagnostics Lab, Erasmus MC, Erasmus Medical Center
Classification: Uncertain significance. Review status: no assertion criteria provided. Collection method: clinical testing. Allele origin: germline. Affected: yes. Study: VKGL Data-share Consensus. Not counted in ClinVar's aggregate classification.

Laboratory of Diagnostic Genome Analysis, Leiden University Medical Center (LUMC)
Classification: Uncertain significance. Review status: no assertion criteria provided. Collection method: clinical testing. Allele origin: germline. Affected: yes. Study: VKGL Data-share Consensus. Not counted in ClinVar's aggregate classification.

Literature cited by the submitters: PubMed 30564623 (cited by Mayo Clinic Laboratories, Mayo Clinic).

NM_004369.4(COL6A3):c.8636C>T (p.Thr2879Met)

Gene: COL6A3 (collagen type VI alpha 3 chain; minus strand). Cytogenetic location: 2q37.3.
Variant type: single nucleotide variant.
Coding change: c.8636C>T on transcript NM_004369.4 (MANE Select); coding-DNA position 8636, C replaced by T.
Protein change: p.Thr2879Met; replaces threonine 2879 with methionine.
Molecular consequence: missense variant.
Genome position (GRCh38, 1-based): chr2:237,336,464, G>A on the plus strand (C>T on the coding strand, the complement: COL6A3 is on the minus strand). VCF-style: chr2-237336464-G-A. GRCh37 (hg19) VCF-style: chr2-238245107-G-A.
Other names: p.Thr2879Met; c.6815C>T, p.Thr2272Met (NM_057166.5); c.8018C>T, p.Thr2673Met (NM_057167.4); short protein forms T2879M, T2673M, T2272M.
Identifiers: ClinVar variation 284096 (VCV000284096.42), dbSNP rs150907698, ClinGen allele CA2187481.
Genomic context (GRCh38, chr2:237,336,464, plus strand): 5'-ATAGTCACAGGCTTTGTTGTGGTGGTTACAGGCTTTGTTGTGGTGGTCACCGGCTTCGTC[G>A]TAGTCACCGGCTTCGTTGTCGTCACTGGGTTGGATGTAGGACTTGAAGTAACGTTATTCG-3'
Protein context (NP_004360.2, residues 2869-2889): NPVTTTKPVT[Thr2879Met]TKPVTTTTKP